The following is an entry in ClinVar:

NM_020549.5(CHAT):c.1674C>T (p.Ser558=)

Gene: CHAT (choline O-acetyltransferase; plus strand). Cytogenetic location: 10q11.23.
Variant type: single nucleotide variant.
Coding change: c.1674C>T on transcript NM_020549.5 (MANE Select); coding-DNA position 1674, C replaced by T.
Protein change: p.Ser558=; no amino-acid change (serine 558 retained).
Molecular consequence: synonymous variant.
Genome position (GRCh38, 1-based): chr10:49,655,134, C>T. VCF-style: chr10-49655134-C-T. GRCh37 (hg19) VCF-style: chr10-50863180-C-T.
Other names: p.Ser558=; c.1320C>T, p.Ser440= (NM_001142929.2, NM_001142934.2, NM_020984.4 and 2 more transcripts); c.1428C>T, p.Ser476= (NM_001142933.2).
Identifiers: ClinVar variation 128720 (VCV000128720.19), dbSNP rs7073028, ClinGen allele CA152343.

ClinVar aggregate classification (germline): Benign. Review status: criteria provided, multiple submitters, no conflicts (2 of 4 stars). 6 submissions from 6 submitters: Benign (6). Last evaluated 2026-02-04.

Conditions:
Familial infantile myasthenia (CMS6). Also called: MYASTHENIC SYNDROME, CONGENITAL, 6, PRESYNAPTIC; Congenital myasthenic syndrome type 6; MYASTHENIC SYNDROME, PRESYNAPTIC, CONGENITAL, ASSOCIATED WITH EPISODIC APNEA. Identifiers: Orphanet 590, MedGen C0393929, MONDO:0009689, OMIM 254210.

Allele frequency attached by ClinVar (database versions not stated): gnomAD exomes 0.00211 and 0.00541; ExAC 0.00653; gnomAD 0.02074 and 0.02218; ESP Exome Variant Server 0.02376; TOPMed 0.02365; 1000 Genomes Project 0.02436; 1000 Genomes Project 30x 0.02577.
gnomAD v4.1: 6,413 of 1,614,088 alleles (0.4%); highest among the groups gnomAD compares: African/African-American, 7.2%; 223 homozygotes.

Submissions (6):

Labcorp Genetics (formerly Invitae), Labcorp
Classification: Benign for Familial infantile myasthenia. Last evaluated: 2026-02-04. Review status: criteria provided, single submitter. Criteria: Invitae Variant Classification Sherloc (09022015). Collection method: clinical testing. Allele origin: germline.

Mayo Clinic Laboratories, Mayo Clinic
Classification: Benign. Last evaluated: 2025-02-04. Review status: criteria provided, single submitter. Criteria: ACMG Guidelines, 2015. Collection method: clinical testing. Allele origin: germline. Observed: 23 variant alleles.
Comment: BA1, BS2, BP4, BP7

GeneDx
Classification: Benign. Last evaluated: 2016-12-31. Review status: criteria provided, single submitter. Criteria: GeneDx Variant Classification (06012015). Collection method: clinical testing. Allele origin: germline. Affected: yes.
Comment: This variant is considered likely benign or benign based on one or more of the following criteria: it is a conservative change, it occurs at a poorly conserved position in the protein, it is predicted to be benign by multiple in silico algorithms, and/or has population frequency not consistent with disease.

Genetic Services Laboratory, University of Chicago
Classification: Benign for AllHighlyPenetrant. Last evaluated: 2013-08-15. Review status: criteria provided, single submitter. Criteria: ACMG Guidelines, 2007. Collection method: clinical testing. Allele origin: germline. Inheritance: Autosomal recessive inheritance.

Breakthrough Genomics
Classification: Benign. Review status: criteria provided, single submitter. Criteria: ACMG Guidelines, 2015. Collection method: not provided. Allele origin: germline. Inheritance: Autosomal recessive inheritance. Affected: yes.

PreventionGenetics, part of Exact Sciences
Classification: Benign. Review status: criteria provided, single submitter. Criteria: ACMG Guidelines, 2015. Collection method: clinical testing. Allele origin: germline.